The following is an entry in ClinVar:

ClinVar aggregate classification (germline): Uncertain significance (1 of 4 stars; one submission).

Conditions:
VPS13B-related disorder. Also called: VPS13B-related condition.

gnomAD v4.1: 1 of 1,613,932 alleles (0.000062%); highest among the groups gnomAD compares: Non-Finnish European, 0.000085%; no homozygotes.

Submission:

PreventionGenetics, part of Exact Sciences
Classification: Uncertain significance for VPS13B-related condition. Last evaluated: 2026-03-24. Review status: criteria provided, single submitter. Criteria: ACMG Guidelines, 2015. Collection method: clinical testing. Allele origin: germline.
Comment: The VPS13B c.10270T>C variant is predicted to result in the amino acid substitution p.Cys3424Arg. To our knowledge, this variant has not been reported in the literature or in a large population database (gnomAD), indicating this variant is rare. At this time, the clinical significance of this variant is uncertain due to the absence of conclusive functional and genetic evidence.

NM_152564.5(VPS13B):c.10270T>C (p.Cys3424Arg)

Gene: VPS13B (vacuolar protein sorting 13 homolog B; plus strand). Cytogenetic location: 8q22.2.
Variant type: single nucleotide variant.
Coding change: c.10270T>C on transcript NM_152564.5 (MANE Select); coding-DNA position 10270, T replaced by C.
Protein change: p.Cys3424Arg; replaces cysteine 3424 with arginine.
Molecular consequence: missense variant.
Genome position (GRCh38, 1-based): chr8:99,853,659, T>C. VCF-style: chr8-99853659-T-C. GRCh37 (hg19) VCF-style: chr8-100865887-T-C.
Other names: c.10345T>C, p.Cys3449Arg (NM_017890.5); short protein forms C3424R, C3449R.
Identifiers: ClinVar variation 4996666 (VCV004996666.1).